The following is an entry in ClinVar:

ClinVar aggregate classification (germline): Pathogenic (1 of 4 stars; one submission).

Conditions:
Developmental and epileptic encephalopathy, 12 (DEE12). Identifiers: MedGen C3150988, MONDO:0013389, OMIM 613722.

Submission:

Labcorp Genetics (formerly Invitae), Labcorp
Classification: Pathogenic for Developmental and epileptic encephalopathy, 12. Last evaluated: 2024-01-10. Review status: criteria provided, single submitter. Criteria: Invitae Variant Classification Sherloc (09022015). Collection method: clinical testing. Allele origin: unknown.
Comment: This variant is a gross deletion of the genomic region encompassing exon(s) 5-17 of the PNKP gene, which includes the termination codon. This deletion extends beyond the assayed region for this gene and therefore may encompass additional genes. While this deletion is not anticipated to lead to nonsense mediated decay, it is expected to alter mRNA translation or result in a truncated protein product. This variant has not been reported in the literature in individuals affected with PNKP-related conditions. This variant disrupts a region of the PNKP protein in which other variant(s) (p.Arg462Pro) have been determined to be pathogenic (PMID: 27066586, 27232581; Invitae). This suggests that this is a clinically significant region of the protein, and that variants that disrupt it are likely to be disease-causing. For these reasons, this variant has been classified as Pathogenic.

Literature cited by the submitters: PubMed 27066586; PubMed 27232581.

NC_000019.9:g.(?_50331686)_(50367680_?)del

Genes: PTOV1-AS2 (PTOV1 antisense RNA 2; minus strand), MED25 (mediator complex subunit 25; plus strand), PTOV1 (PTOV1 extended AT-hook containing adaptor protein; plus strand), PNKP (polynucleotide kinase 3'-phosphatase; minus strand). Cytogenetic location: 19q13.33.
Variant type: Deletion.
Identifiers: ClinVar variation 3248485 (VCV003248485.1).